The following is an entry in ClinVar:

NM_001195263.2(PDZD7):c.936C>T (p.Asn312=)

Gene: PDZD7 (PDZ domain containing 7; minus strand). Cytogenetic location: 10q24.31.
Variant type: single nucleotide variant.
Coding change: c.936C>T on transcript NM_001195263.2 (MANE Select); coding-DNA position 936, C replaced by T.
Protein change: p.Asn312=; no amino-acid change (asparagine 312 retained).
Molecular consequence: synonymous variant.
Genome position (GRCh38, 1-based): chr10:101,019,210, G>A on the plus strand (C>T on the coding strand, the complement: PDZD7 is on the minus strand). VCF-style: chr10-101019210-G-A. GRCh37 (hg19) VCF-style: chr10-102778967-G-A.
Other names: p.Asn312=; c.936C>T, p.Asn312= (NM_001351044.2, NM_024895.5).
Identifiers: ClinVar variation 46212 (VCV000046212.20), dbSNP rs35038258, ClinGen allele CA137884.

ClinVar aggregate classification (germline): Benign. Review status: criteria provided, multiple submitters, no conflicts (2 of 4 stars). 8 submissions from 8 submitters: Benign (8). Last evaluated 2026-02-02.

Allele frequency attached by ClinVar (database versions not stated): ExAC 0.01135; gnomAD 0.01445 and 0.01480; TOPMed 0.01384; ESP Exome Variant Server 0.01271; 1000 Genomes Project 30x 0.00640; 1000 Genomes Project 0.00659.

Submissions (8):

Labcorp Genetics (formerly Invitae), Labcorp
Classification: Benign. Last evaluated: 2026-02-02. Review status: criteria provided, single submitter. Criteria: Invitae Variant Classification Sherloc (09022015). Collection method: clinical testing. Allele origin: germline.

Blueprint Genetics
Classification: Benign. Last evaluated: 2024-11-27. Review status: criteria provided, single submitter. Criteria: ACMG Guidelines, 2015. Collection method: clinical testing. Allele origin: germline.

ARUP Laboratories, Molecular Genetics and Genomics, ARUP Laboratories
Classification: Benign. Last evaluated: 2023-11-29. Review status: criteria provided, single submitter. Criteria: ARUP Molecular Germline Variant Investigation Process 2024. Collection method: clinical testing. Allele origin: germline.

Mayo Clinic Laboratories, Mayo Clinic
Classification: Benign. Last evaluated: 2021-05-03. Review status: criteria provided, single submitter. Criteria: ACMG Guidelines, 2015. Collection method: clinical testing. Allele origin: germline. Observed: 8 variant alleles.

GeneDx
Classification: Benign. Last evaluated: 2020-01-06. Review status: criteria provided, single submitter. Criteria: GeneDx Variant Classification Process June 2021. Collection method: clinical testing. Allele origin: germline. Affected: yes.

Athena Diagnostics
Classification: Benign. Last evaluated: 2018-11-12. Review status: criteria provided, single submitter. Criteria: Athena Diagnostics Criteria. Collection method: clinical testing. Allele origin: germline.

Laboratory for Molecular Medicine, Mass General Brigham Personalized Medicine
Classification: Benign. Last evaluated: 2012-04-30. Review status: criteria provided, single submitter. Criteria: LMM Criteria. Collection method: clinical testing. Allele origin: germline. Observed: 18 variant alleles.
Comment: Asn312Asn in Exon 08 of PDZD7: This variant is not expected to have clinical sig nificance because it does not alter an amino acid residue, is not located within the splice consensus sequence, and has been identified in 1.7% (107/6262) of Eu ropean American chromosomes from a broad population by the NHLBI Exome Sequencin g Project (dbSNP rs35038258).

Breakthrough Genomics
Classification: Benign. Review status: criteria provided, single submitter. Criteria: ACMG Guidelines, 2015. Collection method: not provided. Allele origin: germline. Inheritance: Autosomal recessive inheritance. Affected: yes.